The following is an entry in ClinVar:

NM_000051.4(ATM):c.2443A>G (p.Ile815Val)

Gene: ATM (ATM serine/threonine kinase; plus strand). Cytogenetic location: 11q22.3.
Variant type: single nucleotide variant.
Coding change: c.2443A>G on transcript NM_000051.4 (MANE Select); coding-DNA position 2443, A replaced by G.
Protein change: p.Ile815Val; replaces isoleucine 815 with valine.
Molecular consequence: missense variant.
Genome position (GRCh38, 1-based): chr11:108,259,052, A>G. VCF-style: chr11-108259052-A-G. GRCh37 (hg19) VCF-style: chr11-108129779-A-G.
Other names: c.2443A>G, p.Ile815Val (NM_001351834.2); short protein forms I815V.
Identifiers: ClinVar variation 246438 (VCV000246438.24), dbSNP rs746090916, ClinGen allele CA6265023.

ClinVar aggregate classification (germline): Uncertain significance. Review status: criteria provided, multiple submitters, no conflicts (2 of 4 stars). 7 submissions from 7 submitters: Uncertain significance (7). Last evaluated 2025-12-10.

Conditions:
Hereditary cancer-predisposing syndrome. Also called: Neoplastic Syndromes, Hereditary; Tumor predisposition; Hereditary neoplastic syndrome; Hereditary Cancer Syndrome. Identifiers: Orphanet 140162, MedGen C0027672, MeSH D009386, MONDO:0015356.
Familial cancer of breast. Also called: BREAST CANCER, FAMILIAL; Hereditary breast cancer; hereditary breast carcinoma. Identifiers: Orphanet 227535, MedGen C0346153, MONDO:0016419, OMIM 114480. Disease mechanism: loss of function.
Ataxia-telangiectasia syndrome (AT). Also called: Cerebello-oculocutaneous telangiectasia; Immunodeficiency with ataxia telangiectasia; Ataxia-telangiectasia; Ataxia telangiectasia (A-T); LOUIS-BAR SYNDROME; Ataxia-telangiectasia, complementation group D. Identifiers: Orphanet 100, MedGen C0004135, MONDO:0008840, OMIM 208900.

Allele frequency attached by ClinVar (database versions not stated): gnomAD below 0.00001 and 0.00001; gnomAD exomes 0.00001; ExAC 0.00002.
gnomAD v4.1: 13 of 1,613,448 alleles (0.00081%); highest among the groups gnomAD compares: South Asian, 0.0066%; no homozygotes.

Submissions (7):

Labcorp Genetics (formerly Invitae), Labcorp
Classification: Uncertain significance for Ataxia-telangiectasia syndrome. Last evaluated: 2025-12-10. Review status: criteria provided, single submitter. Criteria: Invitae Variant Classification Sherloc (09022015). Collection method: clinical testing. Allele origin: germline.
Comment: This sequence change replaces isoleucine, which is neutral and non-polar, with valine, which is neutral and non-polar, at codon 815 of the ATM protein (p.Ile815Val). This variant is present in population databases (rs746090916, gnomAD 0.01%). This variant has not been reported in the literature in individuals affected with ATM-related conditions. ClinVar contains an entry for this variant (Variation ID: 246438). Invitae Evidence Modeling of protein sequence and biophysical properties (such as structural, functional, and spatial information, amino acid conservation, physicochemical variation, residue mobility, and thermodynamic stability) indicates that this missense variant is not expected to disrupt ATM protein function with a negative predictive value of 95%. In summary, the available evidence is currently insufficient to determine the role of this variant in disease. Therefore, it has been classified as a Variant of Uncertain Significance.

Ambry Genetics
Classification: Uncertain significance for Hereditary cancer-predisposing syndrome. Last evaluated: 2025-07-31. Review status: criteria provided, single submitter. Criteria: Ambry Variant Classification Scheme 2023. Collection method: clinical testing. Allele origin: germline.
Comment: The p.I815V variant (also known as c.2443A>G), located in coding exon 15 of the ATM gene, results from an A to G substitution at nucleotide position 2443. The isoleucine at codon 815 is replaced by valine, an amino acid with highly similar properties. This amino acid position is well conserved in available vertebrate species. In addition, this alteration is predicted to be tolerated by in silico analysis. Since supporting evidence is limited at this time, the clinical significance of this alteration remains unclear.

Color Diagnostics, LLC DBA Color Health
Classification: Uncertain significance for Hereditary cancer-predisposing syndrome. Last evaluated: 2025-04-08. Review status: criteria provided, single submitter. Criteria: ACMG Guidelines, 2015. Collection method: clinical testing. Allele origin: germline.
Comment: This missense variant replaces isoleucine with valine at codon 815 of the ATM protein. Computational prediction suggests that this variant may not impact protein structure and function. To our knowledge, functional studies have not been reported for this variant. This variant has been reported in an individual affected with breast cancer (PMID: 33471991). This variant has been identified in 3/251106 chromosomes in the general population by the Genome Aggregation Database (gnomAD). The available evidence is insufficient to determine the role of this variant in disease conclusively. Therefore, this variant is classified as a Variant of Uncertain Significance.

Baylor Genetics
Classification: Uncertain significance for Familial cancer of breast. Last evaluated: 2024-03-11. Review status: criteria provided, single submitter. Criteria: ACMG Guidelines, 2015. Collection method: clinical testing. Allele origin: unknown.

Quest Diagnostics Nichols Institute San Juan Capistrano
Classification: Uncertain significance. Last evaluated: 2023-11-07. Review status: criteria provided, single submitter. Criteria: Quest Diagnostics criteria. Collection method: clinical testing. Allele origin: unknown.

GeneDx
Classification: Uncertain significance. Last evaluated: 2019-09-17. Review status: criteria provided, single submitter. Criteria: GeneDx Variant Classification Process June 2021. Collection method: clinical testing. Allele origin: germline. Affected: yes.
Comment: Not observed at a significant frequency in large population cohorts (Lek 2016); In silico analysis, which includes protein predictors and evolutionary conservation, supports that this variant does not alter protein structure/function; Has not been previously published as pathogenic or benign to our knowledge

Women's Health and Genetics/Laboratory Corporation of America, LabCorp
Classification: Uncertain significance. Last evaluated: 2018-09-07. Review status: criteria provided, single submitter. Criteria: LabCorp Variant Classification Summary - May 2015. Collection method: clinical testing. Allele origin: germline.
Comment: Variant summary: ATM c.2443A>G (p.Ile815Val) results in a conservative amino acid change in the encoded protein sequence. Four of five in-silico tools predict a benign effect of the variant on protein function. The variant allele was found at a frequency of 1.2e-05 in 245960 control chromosomes. The available data on variant occurrences in the general population are insufficient to allow any conclusion about variant significance. To our knowledge, no occurrence of c.2443A>G in individuals affected with Ataxia-Telangiectasia or Breast Cancer and no experimental evidence demonstrating its impact on protein function have been reported. Three clinical diagnostic laboratories have submitted clinical-significance assessments for this variant to ClinVar after 2014 and all classified the variant as uncertain significance. Based on the evidence outlined above, the variant was classified as uncertain significance.

Literature cited by the submitters: PubMed 33471991 (cited by Color Diagnostics, LLC DBA Color Health and Quest Diagnostics Nichols Institute San Juan Capistrano).